The following is an entry in ClinVar:

NM_015335.5(MED13L):c.4265T>C (p.Val1422Ala)

Gene: MED13L (mediator complex subunit 13L; minus strand). Cytogenetic location: 12q24.21.
Variant type: single nucleotide variant.
Coding change: c.4265T>C on transcript NM_015335.5 (MANE Select); coding-DNA position 4265, T replaced by C.
Protein change: p.Val1422Ala; replaces valine 1422 with alanine.
Molecular consequence: missense variant.
Genome position (GRCh38, 1-based): chr12:115,986,339, A>G on the plus strand (T>C on the coding strand, the complement: MED13L is on the minus strand). VCF-style: chr12-115986339-A-G. GRCh37 (hg19) VCF-style: chr12-116424144-A-G.
Other names: short protein forms V1422A.
Identifiers: ClinVar variation 1690740 (VCV001690740.5), dbSNP rs780657499, ClinGen allele CA6810840.

ClinVar aggregate classification (germline): Uncertain significance. Review status: criteria provided, multiple submitters, no conflicts (2 of 4 stars). 2 submissions from 2 submitters: Uncertain significance (2). Last evaluated 2025-07-16.

Conditions:
Dextro-looped transposition of the great arteries. Also called: Dextrotransposition of the great arteries. Identifiers: Orphanet 860, MedGen C3531771, MONDO:0019443, OMIM 608808, HP:0031348.

Allele frequency attached by ClinVar (database versions not stated): ExAC 0.00001; gnomAD exomes 0.00002 and 0.00001.
gnomAD v4.1: 23 of 1,614,160 alleles (0.0014%); highest among the groups gnomAD compares: Non-Finnish European, 0.0018%; no homozygotes.

Submissions (2):

Labcorp Genetics (formerly Invitae), Labcorp
Classification: Uncertain significance for Dextro-looped transposition of the great arteries. Last evaluated: 2025-07-16. Review status: criteria provided, single submitter. Criteria: Invitae Variant Classification Sherloc (09022015). Collection method: clinical testing. Allele origin: germline.
Comment: This sequence change replaces valine, which is neutral and non-polar, with alanine, which is neutral and non-polar, at codon 1422 of the MED13L protein (p.Val1422Ala). This variant is present in population databases (rs780657499, gnomAD 0.002%). This variant has not been reported in the literature in individuals affected with MED13L-related conditions. ClinVar contains an entry for this variant (Variation ID: 1690740). Invitae Evidence Modeling of protein sequence and biophysical properties (such as structural, functional, and spatial information, amino acid conservation, physicochemical variation, residue mobility, and thermodynamic stability) indicates that this missense variant is not expected to disrupt MED13L protein function with a negative predictive value of 80%. In summary, the available evidence is currently insufficient to determine the role of this variant in disease. Therefore, it has been classified as a Variant of Uncertain Significance.

Laboratorio de Genetica e Diagnostico Molecular, Hospital Israelita Albert Einstein
Classification: Uncertain significance. Last evaluated: 2019-12-10. Review status: criteria provided, single submitter. Criteria: ACMG Guidelines, 2015. Collection method: clinical testing. Allele origin: germline. Affected: yes.
Comment: ACMG classification criteria: PM2, PP3